The following is an entry in ClinVar:

ClinVar aggregate classification (germline): Uncertain significance (1 of 4 stars; one submission).

Submission:

GeneDx
Classification: Uncertain significance. Last evaluated: 2023-12-11. Review status: criteria provided, single submitter. Criteria: GeneDx Variant Classification Process June 2021. Collection method: clinical testing. Allele origin: germline. Affected: yes.
Comment: Not observed at significant frequency in large population cohorts (gnomAD); In-frame deletion of 2 amino acids in a non-repeat region; Has not been previously published as pathogenic or benign to our knowledge

NM_001287491.2(TET3):c.4492_4497del (p.Gln1498_Gln1499del)

Gene: TET3 (tet methylcytosine dioxygenase 3; plus strand). Cytogenetic location: 2p13.1.
Variant type: Deletion.
Coding change: c.4492_4497del on transcript NM_001287491.2 (MANE Select); coding-DNA positions 4492 to 4497, 6 bases deleted (CAGCAG; older notation c.4492_4497delCAGCAG).
Protein change: p.Gln1498_Gln1499del.
Molecular consequence: inframe deletion.
Genome position (GRCh38, 1-based): chr2:74,101,280-74,101,285, CAGCAG deleted; deleting any 6 consecutive bases within chr2:74,101,279-74,101,285 gives the same sequence; the c. name uses the placement nearest the transcript's 3' end. VCF-style (leftmost placement, unchanged base first): chr2-74101278-GGCAGCA-G. GRCh37 (hg19) VCF-style: chr2-74328405-GGCAGCA-G.
Other names: c.4213_4218del, p.Gln1405_Gln1406del (NM_001366022.1).
Identifiers: ClinVar variation 3253205 (VCV003253205.1), dbSNP rs2528194714.